The following is an entry in ClinVar:

ClinVar aggregate classification (germline): Uncertain significance. Review status: criteria provided, multiple submitters, no conflicts (2 of 4 stars). 2 submissions from 2 submitters: Uncertain significance (2). Last evaluated 2021-08-23.

Submissions (2):

Blueprint Genetics
Classification: Uncertain significance. Last evaluated: 2021-08-23. Review status: criteria provided, single submitter. Criteria: ACMG Guidelines, 2015. Collection method: clinical testing. Allele origin: germline.

Labcorp Genetics (formerly Invitae), Labcorp
Classification: Uncertain significance. Last evaluated: 2019-10-19. Review status: criteria provided, single submitter. Criteria: Invitae Variant Classification Sherloc (09022015). Collection method: clinical testing. Allele origin: germline.
Comment: In summary, the available evidence is currently insufficient to determine the role of this variant in disease. Therefore, it has been classified as a Variant of Uncertain Significance. Algorithms developed to predict the effect of missense changes on protein structure and function are either unavailable or do not agree on the potential impact of this missense change (SIFT: "Deleterious"; PolyPhen-2: "Probably Damaging"; Align-GVGD: "Class C0"). This variant has not been reported in the literature in individuals with BEST1-related conditions. This variant is not present in population databases (ExAC no frequency). This sequence change replaces arginine with histidine at codon 150 of the BEST1 protein (p.Arg150His). The arginine residue is highly conserved and there is a small physicochemical difference between arginine and histidine.

NM_004183.4(BEST1):c.449G>A (p.Arg150His)

Gene: BEST1 (bestrophin 1; plus strand). Cytogenetic location: 11q12.3.
Variant type: single nucleotide variant.
Coding change: c.449G>A on transcript NM_004183.4 (MANE Select); coding-DNA position 449, G replaced by A.
Protein change: p.Arg150His; replaces arginine 150 with histidine.
Molecular consequence: missense variant. On other transcripts: non-coding transcript variant (1).
Genome position (GRCh38, 1-based): chr11:61,955,919, G>A. VCF-style: chr11-61955919-G-A. GRCh37 (hg19) VCF-style: chr11-61723391-G-A.
Other names: c.269G>A, p.Arg90His (NM_001139443.3, NM_001300786.2, NM_001300787.2); c.131G>A, p.Arg44His (NM_001363591.3); c.449G>A, p.Arg150His (NM_001363592.2); c.-727G>A (NM_001363593.3); short protein forms R90H, R150H, R44H.
Identifiers: ClinVar variation 963155 (VCV000963155.10), dbSNP rs1249897117, ClinGen allele CA380835421.
Genomic context (GRCh38, chr11:61,955,919, plus strand): 5'-GCTACGCCAACCTGGGCAACGTGCTCATCCTGCGCAGCGTCAGCACCGCAGTCTACAAGC[G>A]CTTCCCCAGCGCCCAGCACCTGGTGCAAGCAGGTGGGCGGACCGGGAGCAACGGGGAGGC-3'
Protein context (NP_004174.1, residues 140-160): LRSVSTAVYK[Arg150His]FPSAQHLVQA